The following is an entry in ClinVar:

NM_004655.4(AXIN2):c.904A>T (p.Ile302Leu)

Gene: AXIN2 (axin 2; minus strand). Cytogenetic location: 17q24.1.
Variant type: single nucleotide variant.
Coding change: c.904A>T on transcript NM_004655.4 (MANE Select); coding-DNA position 904, A replaced by T.
Protein change: p.Ile302Leu; replaces isoleucine 302 with leucine.
Molecular consequence: missense variant.
Genome position (GRCh38, 1-based): chr17:65,549,572, T>A on the plus strand (A>T on the coding strand, the complement: AXIN2 is on the minus strand). VCF-style: chr17-65549572-T-A. GRCh37 (hg19) VCF-style: chr17-63545690-T-A.
Other names: c.904A>T, p.Ile302Leu (NM_001363813.1); short protein forms I302L.
Identifiers: ClinVar variation 963071 (VCV000963071.10), dbSNP rs2044163087, ClinGen allele CA400679526.

ClinVar aggregate classification (germline): Uncertain significance. Review status: criteria provided, multiple submitters, no conflicts (2 of 4 stars). 2 submissions from 2 submitters: Uncertain significance (2). Last evaluated 2025-01-03.

Conditions:
Hereditary cancer-predisposing syndrome. Also called: Tumor predisposition; Hereditary neoplastic syndrome; Hereditary Cancer Syndrome; Neoplastic Syndromes, Hereditary. Identifiers: Orphanet 140162, MedGen C0027672, MeSH D009386, MONDO:0015356.
Oligodontia-cancer predisposition syndrome. Also called: TOOTH AGENESIS-COLORECTAL CANCER SYNDROME. Identifiers: Orphanet 300576, MedGen C1837750, MONDO:0012075, OMIM 608615. Disease mechanism: loss of function.

gnomAD v4.1: 1 of 1,610,664 alleles (0.000062%); highest among the groups gnomAD compares: Non-Finnish European, 0.000085%; no homozygotes.

Submissions (2):

Ambry Genetics
Classification: Uncertain significance for Hereditary cancer-predisposing syndrome. Last evaluated: 2025-01-03. Review status: criteria provided, single submitter. Criteria: Ambry Variant Classification Scheme 2023. Collection method: clinical testing. Allele origin: germline.
Comment: The p.I302L variant (also known as c.904A>T), located in coding exon 2 of the AXIN2 gene, results from an A to T substitution at nucleotide position 904. The isoleucine at codon 302 is replaced by leucine, an amino acid with highly similar properties. This amino acid position is conserved. In addition, this alteration is predicted to be tolerated by in silico analysis. Based on the available evidence, the clinical significance of this variant remains unclear.

Labcorp Genetics (formerly Invitae), Labcorp
Classification: Uncertain significance for Oligodontia-cancer predisposition syndrome. Last evaluated: 2023-07-17. Review status: criteria provided, single submitter. Criteria: Invitae Variant Classification Sherloc (09022015). Collection method: clinical testing. Allele origin: germline.
Comment: In summary, the available evidence is currently insufficient to determine the role of this variant in disease. Therefore, it has been classified as a Variant of Uncertain Significance. Advanced modeling of protein sequence and biophysical properties (such as structural, functional, and spatial information, amino acid conservation, physicochemical variation, residue mobility, and thermodynamic stability) performed at Invitae indicates that this missense variant is not expected to disrupt AXIN2 protein function. ClinVar contains an entry for this variant (Variation ID: 963071). This variant has not been reported in the literature in individuals affected with AXIN2-related conditions. This variant is not present in population databases (gnomAD no frequency). This sequence change replaces isoleucine, which is neutral and non-polar, with leucine, which is neutral and non-polar, at codon 302 of the AXIN2 protein (p.Ile302Leu).